The following is an entry in ClinVar:

NM_201384.3(PLEC):c.11437C>T (p.Arg3813Cys)

Gene: PLEC (plectin; minus strand). Cytogenetic location: 8q24.3.
Variant type: single nucleotide variant.
Coding change: c.11437C>T on transcript NM_201384.3 (MANE Select); coding-DNA position 11437, C replaced by T.
Protein change: p.Arg3813Cys; replaces arginine 3813 with cysteine.
Molecular consequence: missense variant.
Genome position (GRCh38, 1-based): chr8:143,918,384, G>A on the plus strand (C>T on the coding strand, the complement: PLEC is on the minus strand). VCF-style: chr8-143918384-G-A. GRCh37 (hg19) VCF-style: chr8-144992552-G-A.
Other names: c.11518C>T, p.Arg3840Cys (NM_000445.5); c.11395C>T, p.Arg3799Cys (NM_201378.4); c.11371C>T, p.Arg3791Cys (NM_201379.3); c.11848C>T, p.Arg3950Cys (NM_201380.4); c.11341C>T, p.Arg3781Cys (NM_201381.3); c.11437C>T, p.Arg3813Cys (NM_201382.4); c.11449C>T, p.Arg3817Cys (NM_201383.3); c.11518C>T (NM_000445.3); short protein forms R3781C, R3791C, R3799C, R3813C, R3817C, R3840C, R3950C.
Identifiers: ClinVar variation 167503 (VCV000167503.58), dbSNP rs201666443, ClinGen allele CA234607.
Genomic context (GRCh38, chr8:143,918,384, plus strand): 5'-TGTCCTTGTTGAGGTAGCCACGCTGGTAAGCCACCTCCAGGGGAAGGTGGAAGCCCAGGC[G>A]GGGGTCCACGATGCCGCCGGTGGCCAGCTGGGCATCCAGCAGCCGCAGGGCCTCCTCAGT-3'
Protein context (NP_958786.1, residues 3803-3823): QLATGGIVDP[Arg3813Cys]LGFHLPLEVA

ClinVar aggregate classification (germline): Conflicting classifications of pathogenicity. Review status: criteria provided, conflicting classifications (1 of 4 stars). 7 submissions from 7 submitters: Uncertain significance (6); Likely benign (1). Last evaluated 2026-08-28.

Conditions:
Epidermolysis bullosa simplex 5B, with muscular dystrophy (EBS5B). Also called: Epidermolysis bullosa simplex with muscular dystrophy; EPIDERMOLYSIS BULLOSA SIMPLEX AND LIMB-GIRDLE MUSCULAR DYSTROPHY. Identifiers: Orphanet 257, MedGen C2931072, MONDO:0009181, OMIM 226670.
Autosomal recessive limb-girdle muscular dystrophy type 2Q (LGMDR17). Also called: MUSCULAR DYSTROPHY, LIMB-GIRDLE, AUTOSOMAL RECESSIVE 17. Identifiers: Orphanet 254361, MedGen C3150989, MONDO:0013390, OMIM 613723.
Epidermolysis bullosa simplex with nail dystrophy (EBS5D). Identifiers: MedGen C4225309, MONDO:0014661, OMIM 616487.
Epidermolysis bullosa simplex, Ogna type (EBS5A). Also called: Pidermolysis bullosa simplex 5A, Ogna type; EPIDERMOLYSIS BULLOSA SIMPLEX 5A, OGNA TYPE. Identifiers: Orphanet 79401, MedGen C0432317, MONDO:0007555, OMIM 131950.
Epidermolysis bullosa simplex 5C, with pyloric atresia (EBS5C). Also called: PLEC-Related Epidermolysis Bullosa with Pyloric Atresia; Epidermolysis bullosa simplex with pyloric atresia; PLEC1-Related Epidermolysis Bullosa with Pyloric Atresia. Identifiers: Orphanet 158684, MedGen C2677349, MONDO:0012807, OMIM 612138.
Inborn genetic diseases. Identifiers: MedGen C0950123, MeSH D030342.
PLEC-related disorder. Also called: PLEC-related condition; PLEC-related disorders.

Allele frequency attached by ClinVar (database versions not stated): gnomAD 0.00019 and 0.00021; gnomAD exomes 0.00030; ESP Exome Variant Server 0.00016; ExAC 0.00039; 1000 Genomes Project 30x 0.00016; TOPMed 0.00022; 1000 Genomes Project 0.00020.
gnomAD v4.1: 393 of 1,566,214 alleles (0.025%); highest among the groups gnomAD compares: South Asian, 0.1%; 1 homozygote.

Submissions (7):

PreventionGenetics, part of Exact Sciences
Classification: Uncertain significance for PLEC-related condition. Last evaluated: 2026-08-28. Review status: criteria provided, single submitter. Criteria: ACMG Guidelines, 2015. Collection method: clinical testing. Allele origin: germline.
Comment: The PLEC c.11518C>T variant is predicted to result in the amino acid substitution p.Arg3840Cys. To our knowledge, this variant has not been reported in the literature. This variant is reported in 0.097% of alleles in individuals of South Asian descent in gnomAD. Although we suspect that this variant may be benign, at this time, the clinical significance of this variant is uncertain due to the absence of conclusive functional and genetic evidence.

Labcorp Genetics (formerly Invitae), Labcorp
Classification: Uncertain significance for Autosomal recessive limb-girdle muscular dystrophy type 2Q; Epidermolysis bullosa simplex, Ogna type; Epidermolysis bullosa simplex with nail dystrophy; Epidermolysis bullosa simplex 5C, with pyloric atresia; Epidermolysis bullosa simplex 5B, with muscular dystrophy. Last evaluated: 2025-12-18. Review status: criteria provided, single submitter. Criteria: Invitae Variant Classification Sherloc (09022015). Collection method: clinical testing. Allele origin: germline.
Comment: This sequence change replaces arginine, which is basic and polar, with cysteine, which is neutral and slightly polar, at codon 3840 of the PLEC protein (p.Arg3840Cys). This variant is present in population databases (rs201666443, gnomAD 0.1%), including at least one homozygous and/or hemizygous individual. This variant has not been reported in the literature in individuals affected with PLEC-related conditions. ClinVar contains an entry for this variant (Variation ID: 167503). An algorithm developed to predict the effect of missense changes on protein structure and function (PolyPhen-2) suggests that this variant is likely to be disruptive. In summary, the available evidence is currently insufficient to determine the role of this variant in disease. Therefore, it has been classified as a Variant of Uncertain Significance.

Ambry Genetics
Classification: Uncertain significance for Inborn genetic diseases. Last evaluated: 2025-04-24. Review status: criteria provided, single submitter. Criteria: Ambry Variant Classification Scheme 2023. Collection method: clinical testing. Allele origin: germline.

Blueprint Genetics
Classification: Likely benign. Last evaluated: 2024-11-11. Review status: criteria provided, single submitter. Criteria: ACMG Guidelines, 2015. Collection method: clinical testing. Allele origin: germline.

Athena Diagnostics
Classification: Uncertain significance. Last evaluated: 2023-11-06. Review status: criteria provided, single submitter. Criteria: Athena Diagnostics Criteria. Collection method: clinical testing. Allele origin: unknown.
Comment: Available data are insufficient to determine the clinical significance of the variant at this time. The frequency of this variant in the general population is higher than would generally be expected for pathogenic variants in this gene. Computational tools predict that this variant is not damaging.

Revvity Omics, Revvity
Classification: Uncertain significance. Last evaluated: 2021-11-24. Review status: criteria provided, single submitter. Criteria: ACMG Guidelines, 2015. Collection method: clinical testing. Allele origin: germline.

Eurofins Ntd Llc (ga)
Classification: Uncertain significance. Last evaluated: 2018-01-19. Review status: criteria provided, single submitter. Criteria: EGL Classification Definitions 2015. Collection method: clinical testing. Allele origin: germline. Observed: 2 variant alleles, 2 heterozygotes.